The following is an entry in ClinVar:

NM_014000.3(VCL):c.1535G>A (p.Arg512His)

Gene: VCL (vinculin; plus strand). Cytogenetic location: 10q22.2.
Variant type: single nucleotide variant.
Coding change: c.1535G>A on transcript NM_014000.3 (MANE Select); coding-DNA position 1535, G replaced by A.
Protein change: p.Arg512His; replaces arginine 512 with histidine.
Molecular consequence: missense variant.
Genome position (GRCh38, 1-based): chr10:74,094,453, G>A. VCF-style: chr10-74094453-G-A. GRCh37 (hg19) VCF-style: chr10-75854211-G-A.
Other names: c.1535G>A, p.Arg512His (NM_003373.4); short protein forms R512H.
Identifiers: ClinVar variation 450167 (VCV000450167.12), dbSNP rs367568441, ClinGen allele CA5563021.
Genomic context (GRCh38, chr10:74,094,453, plus strand): 5'-ACCTTGAGGGCAAGATTGAGCAAGCACAGCGGTGGATTGATAATCCCACAGTGGATGACC[G>A]TGGAGTCGGTAAGGGCAGCAGTGCACTATAACCTCATTAAATTGGTCTCAGTGCAAATAA-3'
Protein context (NP_054706.1, residues 502-522): RWIDNPTVDD[Arg512His]GVGQAAIRGL

ClinVar aggregate classification (germline): Conflicting classifications of pathogenicity. Review status: criteria provided, conflicting classifications (1 of 4 stars). 6 submissions from 6 submitters: Uncertain significance (5); Likely benign (1). Last evaluated 2026-07-01.

Conditions:
Cardiovascular phenotype. Identifiers: MedGen CN230736.
Dilated cardiomyopathy 1W (CMD1W). Identifiers: Orphanet 154, MedGen C1969639, MONDO:0012667, OMIM 611407.

Allele frequency attached by ClinVar (database versions not stated): TOPMed 0.00001; gnomAD 0.00003; 1000 Genomes Project 30x 0.00016; 1000 Genomes Project 0.00020.
gnomAD v4.1: 25 of 1,613,576 alleles (0.0015%); highest among the groups gnomAD compares: South Asian, 0.015%; no homozygotes.

Submissions (6):

CeGaT Center for Human Genetics Tuebingen
Classification: Uncertain significance. Last evaluated: 2026-07-01. Review status: criteria provided, single submitter. Criteria: CeGaT Center For Human Genetics Tuebingen Variant Classification Criteria Version 2. Collection method: clinical testing. Allele origin: germline. Affected: yes. Observed: 1 variant allele.

Ambry Genetics
Classification: Uncertain significance for Cardiovascular phenotype. Last evaluated: 2026-01-12. Review status: criteria provided, single submitter. Criteria: Ambry Variant Classification Scheme 2023. Collection method: clinical testing. Allele origin: germline.
Comment: The p.R512H variant (also known as c.1535G>A), located in coding exon 11 of the VCL gene, results from a G to A substitution at nucleotide position 1535. The arginine at codon 512 is replaced by histidine, an amino acid with highly similar properties. This amino acid position is well conserved in available vertebrate species. In addition, this alteration is predicted to be tolerated by in silico analysis. Based on the available evidence, the clinical significance of this variant remains unclear.

Labcorp Genetics (formerly Invitae), Labcorp
Classification: Uncertain significance for Dilated cardiomyopathy 1W. Last evaluated: 2025-12-31. Review status: criteria provided, single submitter. Criteria: Invitae Variant Classification Sherloc (09022015). Collection method: clinical testing. Allele origin: germline.
Comment: This sequence change replaces arginine, which is basic and polar, with histidine, which is basic and polar, at codon 512 of the VCL protein (p.Arg512His). This variant is present in population databases (rs367568441, gnomAD 0.02%). This variant has not been reported in the literature in individuals affected with VCL-related conditions. ClinVar contains an entry for this variant (Variation ID: 450167). An algorithm developed to predict the effect of missense changes on protein structure and function (PolyPhen-2) suggests that this variant is likely to be tolerated. In summary, the available evidence is currently insufficient to determine the role of this variant in disease. Therefore, it has been classified as a Variant of Uncertain Significance.

Women's Health and Genetics/Laboratory Corporation of America, LabCorp
Classification: Likely benign. Last evaluated: 2025-12-08. Review status: criteria provided, single submitter. Criteria: LabCorp Variant Classification Summary - May 2015. Collection method: clinical testing. Allele origin: germline.
Comment: Variant summary: VCL c.1535G>A (p.Arg512His) results in a non-conservative amino acid change in the encoded protein sequence. Algorithms developed to predict the effect of missense changes on protein structure and function are either unavailable or do not agree on the potential impact of this missense change. The variant allele was found at a frequency of 1.5e-05 in 1613576 control chromosomes, predominantly at a frequency of 0.00015 within the South Asian subpopulation in the gnomAD database. The observed variant frequency within South Asian control individuals in the gnomAD database exceeds the estimated maximal expected allele frequency for disease-causing variants in VCL. c.1535G>A has been observed in an individual affected with Hypertrophic Cardiomyopathy, however they also harbored a pathogenic variant in MYBPC3 that likely explained the phenotype (Jaaskelainen_2019). This report does not provide unequivocal conclusions about association of the variant with Cardiomyopathy. To our knowledge, no experimental evidence demonstrating an impact on protein function has been reported. The following publication have been ascertained in the context of this evaluation (PMID: 30775854). ClinVar contains an entry for this variant (Variation ID: 450167). Based on the evidence outlined above, the variant was classified as likely benign.

Molecular Diagnostic Laboratory for Inherited Cardiovascular Disease, Montreal Heart Institute
Classification: Uncertain significance for Cardiovascular phenotype. Last evaluated: 2025-04-09. Review status: criteria provided, single submitter. Criteria: ACMG Guidelines, 2015. Collection method: clinical testing. Allele origin: germline. Affected: yes.

GeneDx
Classification: Uncertain significance. Last evaluated: 2017-06-30. Review status: criteria provided, single submitter. Criteria: GeneDx Variant Classification (06012015). Collection method: clinical testing. Allele origin: germline. Affected: yes.
Comment: A variant of uncertain significance has been identified in the VCL gene. The R512H variant has not been published as pathogenic or been reported as benign to our knowledge. This variant is not observed at a significant frequency in large population cohorts (Lek et al., 2016; 1000 Genomes Consortium et al., 2015; Exome Variant Server). The R512H variant is a conservative amino acid substitution, which is not likely to impact secondary protein structure as these residues share similar properties. This substitution occurs at a position that is conserved in mammals; however, histidine is tolerated at this position in at least one species. Furthermore, in silico analysis is inconsistent in its predictions as to whether or not the variant is damaging to the protein structure/function.

Literature cited by the submitters: PubMed 30775854 (cited by Women's Health and Genetics/Laboratory Corporation of America, LabCorp).